The following is an entry in ClinVar:

ClinVar aggregate classification (germline): Uncertain significance (1 of 4 stars; one submission).

Conditions:
Catecholaminergic polymorphic ventricular tachycardia 1. Also called: RYR2-Related Catecholaminergic Polymorphic Ventricular Tachycardia; VENTRICULAR TACHYCARDIA, STRESS-INDUCED POLYMORPHIC 1; VENTRICULAR TACHYCARDIA, CATECHOLAMINERGIC POLYMORPHIC, 1, WITH OR WITHOUT ATRIAL DYSFUNCTION AND/OR DILATED CARDIOMYOPATHY. Identifiers: Orphanet 3286, MedGen C1631597, MONDO:0011484, OMIM 604772.

Submission:

Labcorp Genetics (formerly Invitae), Labcorp
Classification: Uncertain significance for Catecholaminergic polymorphic ventricular tachycardia 1. Last evaluated: 2022-03-01. Review status: criteria provided, single submitter. Criteria: Invitae Variant Classification Sherloc (09022015). Collection method: clinical testing. Allele origin: germline.
Comment: This sequence change replaces valine, which is neutral and non-polar, with glutamic acid, which is acidic and polar, at codon 31 of the TRDN protein (p.Val31Glu). This variant is not present in population databases (gnomAD no frequency). This variant has not been reported in the literature in individuals affected with TRDN-related conditions. Algorithms developed to predict the effect of missense changes on protein structure and function are either unavailable or do not agree on the potential impact of this missense change (SIFT: "Deleterious"; PolyPhen-2: "Not Available"; Align-GVGD: "Class C0"). In summary, the available evidence is currently insufficient to determine the role of this variant in disease. Therefore, it has been classified as a Variant of Uncertain Significance.

NM_006073.4(TRDN):c.92T>A (p.Val31Glu)

Gene: TRDN (triadin; minus strand). Cytogenetic location: 6q22.31.
Variant type: single nucleotide variant.
Coding change: c.92T>A on transcript NM_006073.4 (MANE Select); coding-DNA position 92, T replaced by A.
Protein change: p.Val31Glu; replaces valine 31 with glutamic acid.
Molecular consequence: missense variant.
Genome position (GRCh38, 1-based): chr6:123,571,063, A>T on the plus strand (T>A on the coding strand, the complement: TRDN is on the minus strand). VCF-style: chr6-123571063-A-T. GRCh37 (hg19) VCF-style: chr6-123892208-A-T.
Other names: c.92T>A, p.Val31Glu (NM_001251987.2, NM_001256020.2, NM_001256021.2 and 2 more transcripts); short protein forms V31E.
Identifiers: ClinVar variation 2089433 (VCV002089433.4), dbSNP rs2114537900, ClinGen allele CA365569305.